The following is an entry in ClinVar:

ClinVar aggregate classification (germline): Uncertain significance (1 of 4 stars; one submission).

Conditions:
Autosomal recessive limb-girdle muscular dystrophy type 2W (MDRCMTT). Also called: Muscular dystrophy, limb-girdle, type 2W; Muscular dystrophy, autosomal recessive, with cardiomyopathy and triangular tongue. Identifiers: MedGen C4225192, MONDO:0014788, OMIM 616827.

gnomAD v4.1: 7 of 1,602,340 alleles (0.00044%); highest among the groups gnomAD compares: East Asian, 0.0022%; no homozygotes.

Submission:

Labcorp Genetics (formerly Invitae), Labcorp
Classification: Uncertain significance for Autosomal recessive limb-girdle muscular dystrophy type 2W. Last evaluated: 2025-11-24. Review status: criteria provided, single submitter. Criteria: Invitae Variant Classification Sherloc (09022015). Collection method: clinical testing. Allele origin: germline.
Comment: This sequence change replaces alanine, which is neutral and non-polar, with threonine, which is neutral and polar, at codon 31 of the LIMS2 protein (p.Ala31Thr). This variant is present in population databases (rs144035185, gnomAD 0.003%). This variant has not been reported in the literature in individuals affected with LIMS2-related conditions. ClinVar contains an entry for this variant (Variation ID: 3665372). An algorithm developed to predict the effect of missense changes on protein structure and function (PolyPhen-2) suggests that this variant is likely to be disruptive. In summary, the available evidence is currently insufficient to determine the role of this variant in disease. Therefore, it has been classified as a Variant of Uncertain Significance.

NM_001161403.3(LIMS2):c.25G>A (p.Ala9Thr)

Gene: LIMS2 (LIM zinc finger domain containing 2; minus strand). Cytogenetic location: 2q14.3.
Variant type: single nucleotide variant.
Coding change: c.25G>A on transcript NM_001161403.3 (MANE Select); coding-DNA position 25, G replaced by A.
Protein change: p.Ala9Thr; replaces alanine 9 with threonine.
Molecular consequence: missense variant.
Genome position (GRCh38, 1-based): chr2:127,657,549, C>T on the plus strand (G>A on the coding strand, the complement: LIMS2 is on the minus strand). VCF-style: chr2-127657549-C-T. GRCh37 (hg19) VCF-style: chr2-128415123-C-T.
Other names: c.91G>A, p.Ala31Thr (NM_001136037.4); c.10G>A, p.Ala4Thr (NM_001161404.2); c.97G>A, p.Ala33Thr (NM_017980.5); short protein forms A31T, A9T, A33T, A4T.
Identifiers: ClinVar variation 3665372 (VCV003665372.2).